The following is an entry in ClinVar:

NM_001308093.3(GATA4):c.1131C>G (p.His377Gln)

Gene: GATA4 (GATA binding protein 4). Cytogenetic location: 8p23.1.
Variant type: single nucleotide variant.
Coding change: c.1131C>G on transcript NM_001308093.3 (MANE Select); coding-DNA position 1131, C replaced by G.
Protein change: p.His377Gln; replaces histidine 377 with glutamine.
Molecular consequence: missense variant.
Genome position (GRCh38, 1-based): chr8:11,757,065, C>G. VCF-style: chr8-11757065-C-G. GRCh37 (hg19) VCF-style: chr8-11614574-C-G.
Other names: c.510C>G, p.His170Gln (NM_001308094.2, NM_001374273.1); c.384C>G, p.His128Gln (NM_001374274.1); c.1128C>G, p.His376Gln (NM_002052.5); short protein forms H376Q, H128Q, H377Q, H170Q.
Identifiers: ClinVar variation 1443098 (VCV001443098.6), dbSNP rs116414842, ClinGen allele CA172120469.

ClinVar aggregate classification (germline): Uncertain significance (1 of 4 stars; one submission).

Conditions:
Atrioventricular septal defect 4 (AVSD4). Identifiers: MedGen C3280781, MONDO:0013747, OMIM 614430.

gnomAD v4.1: 29 of 1,614,156 alleles (0.0018%); highest among the groups gnomAD compares: East Asian, 0.062%; no homozygotes.

Submission:

Labcorp Genetics (formerly Invitae), Labcorp
Classification: Uncertain significance for Atrioventricular septal defect 4. Last evaluated: 2025-12-08. Review status: criteria provided, single submitter. Criteria: Invitae Variant Classification Sherloc (09022015). Collection method: clinical testing. Allele origin: germline.
Comment: This sequence change replaces histidine, which is basic and polar, with glutamine, which is neutral and polar, at codon 376 of the GATA4 protein (p.His376Gln). This variant is not present in population databases (gnomAD no frequency). This missense change has been observed in individual(s) with congenital heart defects (PMID: 22498567). ClinVar contains an entry for this variant (Variation ID: 1443098). Invitae Evidence Modeling of protein sequence and biophysical properties (such as structural, functional, and spatial information, amino acid conservation, physicochemical variation, residue mobility, and thermodynamic stability) indicates that this missense variant is not expected to disrupt GATA4 protein function with a negative predictive value of 95%. In summary, the available evidence is currently insufficient to determine the role of this variant in disease. Therefore, it has been classified as a Variant of Uncertain Significance.

Literature cited by the submitters: PubMed 22498567.